The following is an entry in ClinVar:

ClinVar aggregate classification (germline): Uncertain significance (1 of 4 stars; one submission).

gnomAD v4.1: 1 of 1,613,594 alleles (0.000062%); no homozygotes.

Submission:

GeneDx
Classification: Uncertain significance. Last evaluated: 2021-12-15. Review status: criteria provided, single submitter. Criteria: GeneDx Variant Classification Process June 2021. Collection method: clinical testing. Allele origin: germline. Affected: yes.
Comment: Has not been previously published as pathogenic or benign to our knowledge; Not observed at significant frequency in large population cohorts (gnomAD); In silico analysis supports that this missense variant has a deleterious effect on protein structure/function; Occurs in the triple helical domain at the Y position in the canonical Gly-X-Y repeat; although this variant may have an effect on normal protein folding and function, missense substitution at the Y position is not a common mechanism of disease (HGMD)

NM_000090.4(COL3A1):c.3326G>C (p.Arg1109Pro)

Gene: COL3A1 (collagen type III alpha 1 chain; plus strand). Cytogenetic location: 2q32.2.
Variant type: single nucleotide variant.
Coding change: c.3326G>C on transcript NM_000090.4 (MANE Select); coding-DNA position 3326, G replaced by C.
Protein change: p.Arg1109Pro; replaces arginine 1109 with proline.
Genome position (GRCh38, 1-based): chr2:189,007,570, G>C. VCF-style: chr2-189007570-G-C. GRCh37 (hg19) VCF-style: chr2-189872296-G-C.
Other names: short protein forms R1109P.
Identifiers: ClinVar variation 1691805 (VCV001691805.2), dbSNP rs730880062, ClinGen allele CA349845816.